The following is an entry in ClinVar:

ClinVar aggregate classification (germline): Uncertain significance (1 of 4 stars; one submission).

Conditions:
Bethlem myopathy 1A. Also called: MYOPATHY, BENIGN CONGENITAL, WITH CONTRACTURES; Bethlem Muscular Dystrophy; Bethlem myopathy 1. Identifiers: Orphanet 610, MedGen CN029274, MONDO:0024530, OMIM 158810.

Submission:

Labcorp Genetics (formerly Invitae), Labcorp
Classification: Uncertain significance for Bethlem myopathy 1A. Last evaluated: 2024-03-10. Review status: criteria provided, single submitter. Criteria: Invitae Variant Classification Sherloc (09022015). Collection method: clinical testing. Allele origin: germline.
Comment: This variant, c.220_231dup, results in the insertion of 4 amino acid(s) of the COL6A2 protein (p.Val74_Phe77dup), but otherwise preserves the integrity of the reading frame. This variant is present in population databases (rs746405543, gnomAD 0.008%). This variant has not been reported in the literature in individuals affected with COL6A2-related conditions. In summary, the available evidence is currently insufficient to determine the role of this variant in disease. Therefore, it has been classified as a Variant of Uncertain Significance.

NM_001849.4(COL6A2):c.220_231dup (p.Phe77_Ile78insValProGlnPhe)

Gene: COL6A2 (collagen type VI alpha 2 chain; plus strand). Cytogenetic location: 21q22.3.
Variant type: Duplication.
Coding change: c.220_231dup on transcript NM_001849.4 (MANE Select); coding-DNA positions 220 to 231, 12 bases duplicated (GTGCCGCAGTTC).
Protein change: p.Phe77_Ile78insValProGlnPhe.
Genome position (GRCh38, 1-based): chr21:46,112,083-46,112,094, GTGCCGCAGTTC duplicated; duplicating any 12 consecutive bases within chr21:46,112,076-46,112,094 gives the same sequence; the c. name uses the placement nearest the transcript's 3' end. VCF-style (leftmost placement, unchanged base first): chr21-46112075-A-AGCAGTTCGTGCC. GRCh37 (hg19) VCF-style: chr21-47531989-A-AGCAGTTCGTGCC.
Other names: c.220_231dup, p.Phe77_Ile78insValProGlnPhe (NM_058174.3, NM_058175.3).
Identifiers: ClinVar variation 3730335 (VCV003730335.2).